The following is an entry in ClinVar:

NM_001277115.2(DNAH11):c.7092C>G (p.Ser2364Arg)

Gene: DNAH11 (dynein axonemal heavy chain 11; plus strand). Cytogenetic location: 7p15.3.
Variant type: single nucleotide variant.
Coding change: c.7092C>G on transcript NM_001277115.2 (MANE Select); coding-DNA position 7092, C replaced by G.
Protein change: p.Ser2364Arg; replaces serine 2364 with arginine.
Molecular consequence: missense variant.
Genome position (GRCh38, 1-based): chr7:21,717,883, C>G. VCF-style: chr7-21717883-C-G. GRCh37 (hg19) VCF-style: chr7-21757501-C-G.
Other names: short protein forms S2364R.
Identifiers: ClinVar variation 3619101 (VCV003619101.2).

ClinVar aggregate classification (germline): Uncertain significance (1 of 4 stars; one submission).

Conditions:
Primary ciliary dyskinesia. Also called: Ciliary dyskinesia. Identifiers: Orphanet 244, MedGen C0008780, MONDO:0016575, HP:0012265.

Submission:

Labcorp Genetics (formerly Invitae), Labcorp
Classification: Uncertain significance for Primary ciliary dyskinesia. Last evaluated: 2024-10-08. Review status: criteria provided, single submitter. Criteria: Invitae Variant Classification Sherloc (09022015). Collection method: clinical testing. Allele origin: germline.
Comment: This sequence change replaces serine, which is neutral and polar, with arginine, which is basic and polar, at codon 2364 of the DNAH11 protein (p.Ser2364Arg). This variant is not present in population databases (gnomAD no frequency). This variant has not been reported in the literature in individuals affected with DNAH11-related conditions. Invitae Evidence Modeling of protein sequence and biophysical properties (such as structural, functional, and spatial information, amino acid conservation, physicochemical variation, residue mobility, and thermodynamic stability) indicates that this missense variant is not expected to disrupt DNAH11 protein function with a negative predictive value of 95%. In summary, the available evidence is currently insufficient to determine the role of this variant in disease. Therefore, it has been classified as a Variant of Uncertain Significance.